The following is an entry in ClinVar:

NM_003392.7(WNT5A):c.722A>G (p.His241Arg)

Gene: WNT5A (Wnt family member 5A; minus strand). Cytogenetic location: 3p14.3.
Variant type: single nucleotide variant.
Coding change: c.722A>G on transcript NM_003392.7 (MANE Select); coding-DNA position 722, A replaced by G.
Protein change: p.His241Arg; replaces histidine 241 with arginine.
Molecular consequence: missense variant.
Genome position (GRCh38, 1-based): chr3:55,470,513, T>C on the plus strand (A>G on the coding strand, the complement: WNT5A is on the minus strand). VCF-style: chr3-55470513-T-C. GRCh37 (hg19) VCF-style: chr3-55504541-T-C.
Other names: c.677A>G, p.His226Arg (NM_001256105.1, NM_001377271.1, NM_001377272.1); short protein forms H226R, H241R.
Identifiers: ClinVar variation 5018554 (VCV005018554.2).

ClinVar aggregate classification (germline): Uncertain significance (1 of 4 stars; one submission).

Conditions:
Autosomal dominant Robinow syndrome 1. Also called: ROBINOW DWARFISM; WNT5A-Related Robinow Syndrome, Autosomal Dominant; Covesdem syndrome (formerly); Costovertebral segmentation defect with mesomelia (formerly); ACRAL DYSOSTOSIS WITH FACIAL AND GENITAL ABNORMALITIES; FETAL FACE SYNDROME. Identifiers: Orphanet 3107, Orphanet 97360, MedGen C4551475, MONDO:0024455, OMIM 180700.

Submission:

Juno Genomics, Hangzhou Juno Genomics, Inc
Classification: Uncertain significance for Autosomal dominant Robinow syndrome 1. Review status: criteria provided, single submitter. Criteria: ACMG Guidelines, 2015. Collection method: clinical testing. Allele origin: germline.
Comment: Absent from controls (or at extremely low frequency if recessive) in Genome Aggregation Database.;Multiple lines of computational evidence support a deleterious effect on the gene or gene product.